The following is an entry in ClinVar:

ClinVar aggregate classification (germline): Pathogenic (1 of 4 stars; one submission).

Conditions:
Charcot-Marie-Tooth disease, type I (CMT1). Also called: Charcot-Marie-Tooth disease type 1; Charcot-Marie-Tooth, Type 1. Identifiers: Orphanet 65753, MedGen C0751036, MONDO:0019011.

Submission:

Labcorp Genetics (formerly Invitae), Labcorp
Classification: Pathogenic for Charcot-Marie-Tooth disease, type I. Last evaluated: 2021-04-23. Review status: criteria provided, single submitter. Criteria: Invitae Variant Classification Sherloc (09022015). Collection method: clinical testing. Allele origin: germline.
Comment: For these reasons, this variant has been classified as Pathogenic. Algorithms developed to predict the effect of sequence changes on RNA splicing suggest that this variant may disrupt the consensus splice site, but this prediction has not been confirmed by published transcriptional studies. Disruption of this splice site has been observed in individual(s) with PMP22-related conditions (PMID: 29653220, 9187667, 25614874). This variant is not present in population databases (ExAC no frequency). This sequence change affects a donor splice site in intron 2 of the PMP22 gene. It is expected to disrupt RNA splicing. Variants that disrupt the donor or acceptor splice site typically lead to a loss of protein function (PMID: 16199547), and loss-of-function variants in PMP22 are known to be pathogenic (PMID: 23224996).

Literature cited by the submitters: PubMed 29653220; PubMed 9187667; PubMed 25614874; PubMed 16199547; PubMed 23224996.

NM_000304.4(PMP22):c.78+1G>C

Gene: PMP22 (peripheral myelin protein 22; minus strand). Cytogenetic location: 17p12.
Variant type: single nucleotide variant.
Coding change: c.78+1G>C on transcript NM_000304.4 (MANE Select); the canonical splice donor site of the intron after coding-DNA position 78, G replaced by C.
Molecular consequence: splice donor variant.
Genome position (GRCh38, 1-based): chr17:15,260,649, C>G on the plus strand (G>C on the coding strand, the complement: PMP22 is on the minus strand). VCF-style: chr17-15260649-C-G. GRCh37 (hg19) VCF-style: chr17-15163966-C-G.
Other names: c.78+1G>C (NM_001281456.2, NM_153321.3, NM_001281455.2 and 2 more transcripts).
Identifiers: ClinVar variation 1459288 (VCV001459288.8), dbSNP rs1426969421, ClinGen allele CA398271647.